The following is an entry in ClinVar:

ClinVar aggregate classification (germline): Pathogenic. Review status: criteria provided, multiple submitters, no conflicts (2 of 4 stars). 5 submissions from 5 submitters: Pathogenic (4). 1 of the submissions does not count toward it. Last evaluated 2025-11-25.

Conditions:
NCF2-related disorder. Also called: NCF2-related condition.
Granulomatous disease, chronic, autosomal recessive, cytochrome b-positive, type 2. Also called: Chronic granulomatous disease due to deficiency of NCF-2; GRANULOMATOUS DISEASE, CHRONIC, AUTOSOMAL RECESSIVE, 2; GRANULOMATOUS DISEASE, CHRONIC, DUE TO NCF2 DEFICIENCY; CGD, AUTOSOMAL RECESSIVE CYTOCHROME b-POSITIVE, TYPE II; Chronic Granulomatous Disease, Autosomal Recessive, Cytochrome b-Positive, Type II. Identifiers: Orphanet 379, MedGen C1856245, MONDO:0009310, OMIM 233710.

Allele frequency attached by ClinVar (database versions not stated): gnomAD 0.00001; TOPMed 0.00002.

Submissions (5):

Labcorp Genetics (formerly Invitae), Labcorp
Classification: Pathogenic for Granulomatous disease, chronic, autosomal recessive, cytochrome b-positive, type 2. Last evaluated: 2025-11-25. Review status: criteria provided, single submitter. Criteria: Invitae Variant Classification Sherloc (09022015). Collection method: clinical testing. Allele origin: germline.
Comment: This sequence change affects a donor splice site in intron 3 of the NCF2 gene. RNA analysis indicates that disruption of this splice site induces altered splicing and may result in an absent or altered protein product. This variant is not present in population databases (gnomAD no frequency). Disruption of this splice site has been observed in individual(s) with chronic granulomatous disease (PMID: 10498624, 20167518). It has also been observed to segregate with disease in related individuals. This variant is also known as intron 4 +1G>A. ClinVar contains an entry for this variant (Variation ID: 2243). Studies have shown that disruption of this splice site results in several alternate splicing products, and produces a non-functional protein and/or introduces a premature termination codon (PMID: 10498624). For these reasons, this variant has been classified as Pathogenic.

First Genomix Gene Laboratory, Genetic Diagnostics Department
Classification: Pathogenic for Granulomatous disease, chronic, autosomal recessive, cytochrome b-positive, type 2. Last evaluated: 2025-03-17. Review status: criteria provided, single submitter. Criteria: ACMG Guidelines, 2015. Collection method: clinical testing. Allele origin: germline. Inheritance: Autosomal recessive inheritance. Affected: no. Observed: 1 variant allele.

Blueprint Genetics
Classification: Pathogenic for NCF2-related disorders. Last evaluated: 2021-10-11. Review status: criteria provided, single submitter. Criteria: ACMG Guidelines, 2015. Collection method: clinical testing. Allele origin: germline. Affected: yes. Observed: 2 variant alleles.

GeneDx
Classification: Pathogenic. Last evaluated: 2016-08-19. Review status: criteria provided, single submitter. Criteria: GeneDx Variant Classification (06012015). Collection method: clinical testing. Allele origin: germline. Affected: yes.
Comment: The c.366+1 G>A splice site variant in the NCF2 gene has been previously reported in association with chronic granulomatous disease (CGD) (PatiÃ±o et al., 1999). In vitro functional studies demonstrated that the expression level of the mutant RNA was less than 5% in comparison to a normal control (PatiÃ±o et al., 1999). Furthermore, three different cDNAs were observed, two missing at least one exon and one with a deletion of the last 5 nucleotides of exon 4, which is expected to result in a frameshift variant (PatiÃ±o et al., 1999). The c.366+1 G>A variant was not observed in approximately 6,500 individuals of European and African American ancestry in the NHLBI Exome Sequencing Project, indicating it is not a common benign variant in these populations. This pathogenic variant destroys the canonical splice donor site in intron 3, and is expected to cause abnormal gene splicing.

OMIM
Classification: Pathogenic for GRANULOMATOUS DISEASE, CHRONIC, AUTOSOMAL RECESSIVE, 2. Last evaluated: 1999-10-01. Review status: no assertion criteria provided. Collection method: literature only. Allele origin: germline. Not counted in ClinVar's aggregate classification.

Literature cited by the submitters: PubMed 10498624 (cited by Labcorp Genetics (formerly Invitae), Labcorp and OMIM); PubMed 20167518 (cited by Labcorp Genetics (formerly Invitae), Labcorp).

NM_000433.4(NCF2):c.366+1G>A

Gene: NCF2 (neutrophil cytosolic factor 2; minus strand). Cytogenetic location: 1q25.3.
Variant type: single nucleotide variant.
Coding change: c.366+1G>A on transcript NM_000433.4 (MANE Select); the canonical splice donor site of the intron after coding-DNA position 366, G replaced by A.
Molecular consequence: splice donor variant.
Genome position (GRCh38, 1-based): chr1:183,577,598, C>T on the plus strand (G>A on the coding strand, the complement: NCF2 is on the minus strand). VCF-style: chr1-183577598-C-T. GRCh37 (hg19) VCF-style: chr1-183546733-C-T.
Other names: IVS4DS, G-A, +1; c.366+1G>A (NM_001410895.1, NM_001127651.3, NM_001190789.2 and 1 more transcripts).
Identifiers: ClinVar variation 2243 (VCV000002243.15), dbSNP rs796065032, ClinGen allele CA212793.